The following is an entry in ClinVar:

NM_001065.4(TNFRSF1A):c.949C>T (p.Pro317Ser)

Gene: TNFRSF1A (TNF receptor superfamily member 1A; minus strand). Cytogenetic location: 12p13.31.
Variant type: single nucleotide variant.
Coding change: c.949C>T on transcript NM_001065.4 (MANE Select); coding-DNA position 949, C replaced by T.
Protein change: p.Pro317Ser; replaces proline 317 with serine.
Molecular consequence: missense variant. On other transcripts: non-coding transcript variant (1).
Genome position (GRCh38, 1-based): chr12:6,329,886, G>A on the plus strand (C>T on the coding strand, the complement: TNFRSF1A is on the minus strand). VCF-style: chr12-6329886-G-A. GRCh37 (hg19) VCF-style: chr12-6439052-G-A.
Other names: c.625C>T, p.Pro209Ser (NM_001346091.2); c.490C>T, p.Pro164Ser (NM_001346092.2); short protein forms P164S, P209S, P317S.
Identifiers: ClinVar variation 944519 (VCV000944519.9), dbSNP rs201619736, ClinGen allele CA383545814.
Genomic context (GRCh38, chr12:6,329,886, plus strand): 5'-GGTTGGGGATGGGGTCGGAGGCGAGGGCTGTCGCAAGGATGGGGTCAGCCCCCTGATAGG[G>A]TGGTGCCACCTCTCTGCGGGGAGCCGCAAAGTTGGGACAGTCACCGGGGGTATAGGTGGA-3'
Protein context (NP_001056.1, residues 307-327): FAAPRREVAP[Pro317Ser]YQGADPILAT

ClinVar aggregate classification (germline): Uncertain significance (1 of 4 stars; one submission).

Conditions:
TNF receptor-associated periodic fever syndrome (TRAPS) (FPF). Also called: TNF RECEPTOR-ASSOCIATED PERIODIC SYNDROME; TUMOR NECROSIS FACTOR RECEPTOR-ASSOCIATED PERIODIC SYNDROME; TNF Receptor-Associated Periodic Fever Syndrome; FAMILIAL HIBERNIAN FEVER; TNF receptor 1-associated periodic fever syndrome; Autosomal Dominant Familial Periodic Fever. Identifiers: Orphanet 32960, MedGen C1275126, MONDO:0007727, OMIM 142680.

Allele frequency attached by ClinVar (database versions not stated): TOPMed below 0.00001; gnomAD 0.00001.
gnomAD v4.1: 2 of 1,586,582 alleles (0.00013%); highest among the groups gnomAD compares: Non-Finnish European, 0.00017%; no homozygotes.

Submission:

Labcorp Genetics (formerly Invitae), Labcorp
Classification: Uncertain significance for TNF receptor-associated periodic fever syndrome (TRAPS). Last evaluated: 2021-01-08. Review status: criteria provided, single submitter. Criteria: Invitae Variant Classification Sherloc (09022015). Collection method: clinical testing. Allele origin: germline.
Comment: This variant is not present in population databases (ExAC no frequency). This variant has not been reported in the literature in individuals with TNFRSF1A-related conditions. Algorithms developed to predict the effect of missense changes on protein structure and function output the following: SIFT: "Tolerated"; PolyPhen-2: "Benign"; Align-GVGD: "Class C0". The serine amino acid residue is found in multiple mammalian species, suggesting that this missense change does not adversely affect protein function. These predictions have not been confirmed by published functional studies and their clinical significance is uncertain. In summary, the available evidence is currently insufficient to determine the role of this variant in disease. Therefore, it has been classified as a Variant of Uncertain Significance. This sequence change replaces proline with serine at codon 317 of the TNFRSF1A protein (p.Pro317Ser). The proline residue is weakly conserved and there is a moderate physicochemical difference between proline and serine.